The following is an entry in ClinVar:

NM_000143.4(FH):c.90C>A (p.Gly30=)

Gene: FH (fumarate hydratase; minus strand). Cytogenetic location: 1q43.
Variant type: single nucleotide variant.
Coding change: c.90C>A on transcript NM_000143.4 (MANE Select); coding-DNA position 90, C replaced by A.
Protein change: p.Gly30=; no amino-acid change (glycine 30 retained).
Molecular consequence: synonymous variant.
Genome position (GRCh38, 1-based): chr1:241,519,633, G>T on the plus strand (C>A on the coding strand, the complement: FH is on the minus strand). VCF-style: chr1-241519633-G-T. GRCh37 (hg19) VCF-style: chr1-241682933-G-T.
Identifiers: ClinVar variation 751112 (VCV000751112.14), dbSNP rs1262096783, ClinGen allele CA424076784.

ClinVar aggregate classification (germline): Benign/Likely benign. Review status: criteria provided, multiple submitters, no conflicts (2 of 4 stars). 3 submissions from 3 submitters: Benign (1); Likely benign (2). Last evaluated 2025-11-18.

Conditions:
Hereditary cancer-predisposing syndrome. Also called: Neoplastic Syndromes, Hereditary; Hereditary Cancer Syndrome; Hereditary neoplastic syndrome; Tumor predisposition. Identifiers: Orphanet 140162, MedGen C0027672, MeSH D009386, MONDO:0015356.
Hereditary leiomyomatosis and renal cell cancer. Also called: Familial leiomyomatosis; Reed syndrome; Multiple cutaneous and uterine leiomyomatosis; Cutaneous leiomyomata with uterine leiomyomata; Leiomyoma, hereditary multiple, of skin; Multiple cutaneous and uterine leiomyomata. Identifiers: Orphanet 523, MedGen C1708350, MONDO:0007888, OMIM 150800, HP:0007437. Disease mechanism: loss of function.

Allele frequency attached by ClinVar (database versions not stated): gnomAD 0.00001.
gnomAD v4.1: 1 of 1,547,668 alleles (0.000065%); highest among the groups gnomAD compares: Admixed American, 0.002%; no homozygotes.

Submissions (3):

Labcorp Genetics (formerly Invitae), Labcorp
Classification: Likely benign. Last evaluated: 2025-11-18. Review status: criteria provided, single submitter. Criteria: Invitae Variant Classification Sherloc (09022015). Collection method: clinical testing. Allele origin: germline.

Myriad Genetics, Inc.
Classification: Benign for Hereditary leiomyomatosis and renal cell cancer. Last evaluated: 2024-10-17. Review status: criteria provided, single submitter. Criteria: Myriad Autosomal Dominant, Autosomal Recessive and X-Linked Classification Criteria (2023). Collection method: clinical testing. Allele origin: unknown.
Comment: This variant is considered benign. This variant is a silent/synonymous amino acid change and it is not expected to impact splicing.

Ambry Genetics
Classification: Likely benign for Hereditary cancer-predisposing syndrome. Last evaluated: 2021-10-14. Review status: criteria provided, single submitter. Criteria: Ambry Variant Classification Scheme 2023. Collection method: clinical testing. Allele origin: germline.